The following is an entry in ClinVar:

NM_003482.4(KMT2D):c.6950G>T (p.Gly2317Val)

Gene: KMT2D (lysine methyltransferase 2D; minus strand). Cytogenetic location: 12q13.12.
Variant type: single nucleotide variant.
Coding change: c.6950G>T on transcript NM_003482.4 (MANE Select); coding-DNA position 6950, G replaced by T.
Protein change: p.Gly2317Val; replaces glycine 2317 with valine.
Molecular consequence: missense variant.
Genome position (GRCh38, 1-based): chr12:49,040,820, C>A on the plus strand (G>T on the coding strand, the complement: KMT2D is on the minus strand). VCF-style: chr12-49040820-C-A. GRCh37 (hg19) VCF-style: chr12-49434603-C-A.
Other names: short protein forms G2317V.
Identifiers: ClinVar variation 1469931 (VCV001469931.8), dbSNP rs2120535780, ClinGen allele CA384749222.

ClinVar aggregate classification (germline): Uncertain significance (1 of 4 stars; one submission).

Conditions:
Kabuki syndrome. Also called: NIIKAWA-KUROKI SYNDROME; Kabuki make-up syndrome. Identifiers: Orphanet 2322, MedGen C0796004, MONDO:0016512.

Submission:

Labcorp Genetics (formerly Invitae), Labcorp
Classification: Uncertain significance for Kabuki syndrome. Last evaluated: 2020-12-28. Review status: criteria provided, single submitter. Criteria: Invitae Variant Classification Sherloc (09022015). Collection method: clinical testing. Allele origin: germline.
Comment: This sequence change replaces glycine with valine at codon 2317 of the KMT2D protein (p.Gly2317Val). The glycine residue is moderately conserved and there is a moderate physicochemical difference between glycine and valine. This variant is not present in population databases (ExAC no frequency). This variant has not been reported in the literature in individuals with KMT2D-related conditions. Advanced modeling of protein sequence and biophysical properties (such as structural, functional, and spatial information, amino acid conservation, physicochemical variation, residue mobility, and thermodynamic stability) performed at Invitae indicates that this missense variant is not expected to disrupt KMT2D protein function. Algorithms developed to predict the effect of sequence changes on RNA splicing suggest that this variant may create or strengthen a splice site, but this prediction has not been confirmed by published transcriptional studies. In summary, the available evidence is currently insufficient to determine the role of this variant in disease. Therefore, it has been classified as a Variant of Uncertain Significance.